The following is an entry in ClinVar:

ClinVar aggregate classification (germline): Uncertain significance. Review status: criteria provided, multiple submitters, no conflicts (2 of 4 stars). 5 submissions from 5 submitters: Uncertain significance (5). Last evaluated 2025-01-14.

Conditions:
RYR1-related disorder. Also called: RYR1-related disorders; RYR1-related condition. Identifiers: MedGen CN239331.
Congenital multicore myopathy with external ophthalmoplegia (CMYO1B). Also called: MULTIMINICORE DISEASE WITH EXTERNAL OPHTHALMOPLEGIA; Congenital myopathy 1B, autosomal recessive; Minicore myopathy; Minicore myopathy with external ophthalmoplegia; MULTICORE MYOPATHY. Identifiers: Orphanet 598, Orphanet 98905, MedGen C1850674, MONDO:0009712, OMIM 255320, HP:0003789.
Congenital myopathy with fiber type disproportion. Also called: Congenital fiber-type disproportion myopathy; Congenital fiber-type disproportion. Identifiers: Orphanet 2020, MedGen C0546264, MONDO:0009711. Inheritance: all.
Malignant hyperthermia, susceptibility to, 1 (MHS1). Also called: Anesthesia related hyperthermia; Malignant hyperpyrexia; Fulminating hyperpyrexia; Pharmacogenic myopathy; RYR1-Related Malignant Hyperthermia Susceptibility; Malignant hyperthermia suceptibility 1. Identifiers: Orphanet 423, MedGen C2930980, MONDO:0007783, OMIM 145600.
Central core myopathy (CMYO1A). Also called: CONGENITAL MYOPATHY 1A, AUTOSOMAL DOMINANT, WITH SUSCEPTIBILITY TO MALIGNANT HYPERTHERMIA; Central core disease; Myopathy, central fibrillar. Identifiers: Orphanet 597, MedGen C5830701, MONDO:0007294, OMIM 117000.
King Denborough syndrome (KDS). Identifiers: MedGen C1840365, MONDO:0020485, OMIM 619542.

Allele frequency attached by ClinVar (database versions not stated): gnomAD exomes 0.00004 and 0.00005; TOPMed 0.00005; ExAC 0.00007; gnomAD 0.00007.
gnomAD v4.1: 68 of 1,614,042 alleles (0.0042%); highest among the groups gnomAD compares: Non-Finnish European, 0.0051%; no homozygotes.

Submissions (5):

Labcorp Genetics (formerly Invitae), Labcorp
Classification: Uncertain significance for RYR1-related disorder. Last evaluated: 2025-01-14. Review status: criteria provided, single submitter. Criteria: Invitae Variant Classification Sherloc (09022015). Collection method: clinical testing. Allele origin: germline.
Comment: This sequence change affects codon 1165 of the RYR1 mRNA. It is a 'silent' change, meaning that it does not change the encoded amino acid sequence of the RYR1 protein. This variant is present in population databases (rs772616442, gnomAD 0.01%). This variant has been observed in individual(s) with RYR1-related disease (PMID: 30155738). ClinVar contains an entry for this variant (Variation ID: 590516). Algorithms developed to predict the effect of sequence changes on RNA splicing suggest that this variant may disrupt the consensus splice site. In summary, the available evidence is currently insufficient to determine the role of this variant in disease. Therefore, it has been classified as a Variant of Uncertain Significance.

All of Us Research Program, National Institutes of Health
Classification: Uncertain significance for Malignant hyperthermia, susceptibility to, 1. Last evaluated: 2024-09-27. Review status: criteria provided, single submitter. Criteria: ACMG Guidelines, 2015. Collection method: clinical testing. Allele origin: germline. Inheritance: Autosomal dominant inheritance. Observed: 15 variant alleles, 15 heterozygotes.
Comment: This variant is located in the RYR1 protein. To our knowledge, functional studies have not been reported for this variant. This variant has been reported in an individual affected with unspecified RYR1-related disorder (PMID: 30155738) and has not been reported in individuals with malignant hyperthermia susceptibility in the literature. This variant has been identified in 16/282864 chromosomes in the general population by the Genome Aggregation Database (gnomAD). The available evidence is insufficient to determine the role of this variant in disease conclusively. Therefore, this variant is classified as a Variant of Uncertain Significance.

This study involves interpretation of variants in research participants for the purpose of population health screening. Participant phenotype was not available at the time of variant classification. Additional details can be found in publication PMID: 35346344, PMCID: PMC8962531

Color Diagnostics, LLC DBA Color Health
Classification: Uncertain significance for Malignant hyperthermia, susceptibility to, 1. Last evaluated: 2024-05-21. Review status: criteria provided, single submitter. Criteria: ACMG Guidelines, 2015. Collection method: clinical testing. Allele origin: germline.
Comment: This variant is located in the RYR1 protein. To our knowledge, functional studies have not been reported for this variant. This variant has been reported in an individual affected with unspecified RYR1-related disorder (PMID: 30155738) and has not been reported in individuals with malignant hyperthermia susceptibility in the literature. This variant has been identified in 16/282864 chromosomes in the general population by the Genome Aggregation Database (gnomAD). The available evidence is insufficient to determine the role of this variant in disease conclusively. Therefore, this variant is classified as a Variant of Uncertain Significance.

Fulgent Genetics
Classification: Uncertain significance for Central core myopathy; Malignant hyperthermia, susceptibility to, 1; Congenital myopathy 4A, autosomal dominant; Congenital multicore myopathy with external ophthalmoplegia; King Denborough syndrome. Last evaluated: 2021-09-07. Review status: criteria provided, single submitter. Criteria: ACMG Guidelines, 2015. Collection method: clinical testing. Allele origin: unknown.

PreventionGenetics, part of Exact Sciences
Classification: Uncertain significance. Last evaluated: 2018-07-18. Review status: criteria provided, single submitter. Criteria: ACMG Guidelines, 2015. Collection method: clinical testing. Allele origin: germline.

Literature cited by the submitters: PubMed 30155738 (cited by 3 submitters).

NM_000540.3(RYR1):c.3495C>T (p.Gly1165=)

Gene: RYR1 (ryanodine receptor 1; plus strand). Cytogenetic location: 19q13.2.
Variant type: single nucleotide variant.
Coding change: c.3495C>T on transcript NM_000540.3 (MANE Select); coding-DNA position 3495, C replaced by T.
Protein change: p.Gly1165=; no amino-acid change (glycine 1165 retained).
Molecular consequence: synonymous variant.
Genome position (GRCh38, 1-based): chr19:38,469,079, C>T. VCF-style: chr19-38469079-C-T. GRCh37 (hg19) VCF-style: chr19-38959719-C-T.
Other names: c.3495C>T, p.Gly1165= (NM_001042723.2).
Identifiers: ClinVar variation 590516 (VCV000590516.31), dbSNP rs772616442, ClinGen allele CA064937.
Genomic context (GRCh38, chr19:38,469,079, plus strand): 5'-CGATGTCGTTGGCTGTATGATCGACCTCACAGAGAACACCATTATCTTCACCCTCAATGG[C>T]GAGGTCCTCATGTCTGACTCAGGCTCCGAAACAGCCTTCCGGGAGATTGAGATTGGGGAC-3'
Protein context (NP_000531.2, residues 1155-1175): TENTIIFTLN[Gly1165=]EVLMSDSGSE